The following is an entry in ClinVar:

NM_015631.6(TCTN3):c.338_341del (p.His113fs)

Gene: TCTN3 (tectonic family member 3; minus strand). Cytogenetic location: 10q24.1.
Variant type: Deletion.
Coding change: c.338_341del on transcript NM_015631.6 (MANE Select); coding-DNA positions 338 to 341, 4 bases deleted (ATCC; older notation c.338_341delATCC).
Protein change: p.His113fs; shifts the reading frame from histidine 113.
Molecular consequence: frameshift variant.
Genome position (GRCh38, 1-based): chr10:95,693,392-95,693,395, GGAT deleted on the plus strand (ATCC on the coding strand, the reverse complement: TCTN3 is on the minus strand); deleting any 4 consecutive bases within chr10:95,693,392-95,693,398 gives the same sequence; the c. name uses the placement nearest the transcript's 3' end. VCF-style (leftmost placement, unchanged base first): chr10-95693391-CGGAT-C. GRCh37 (hg19) VCF-style: chr10-97453148-CGGAT-C.
Other names: c.338_341delATCC (NM_015631.6); c.338_341del, p.His113fs (NM_001143973.2); short protein forms H113fs.
Identifiers: ClinVar variation 1393536 (VCV001393536.8), dbSNP rs761798713, ClinGen allele CA5621181.

ClinVar aggregate classification (germline): Pathogenic/Likely pathogenic. Review status: criteria provided, multiple submitters, no conflicts (2 of 4 stars). 4 submissions from 4 submitters: Pathogenic (3); Likely pathogenic (1). Last evaluated 2026-01-14.

Conditions:
TCTN3-related disorder. Also called: TCTN3-related condition.
Orofacial-digital syndrome IV (OFD4). Also called: BARAITSER-BURN SYNDROME; Orofaciodigital syndrome IV; OFD SYNDROME WITH TIBIAL DEFECTS; OFD SYNDROME, BARAITSER-BURN TYPE; OFDS IV; ORAL-FACIAL-DIGITAL SYNDROME, TYPE IV. Identifiers: Orphanet 2753, MedGen C0406727, MONDO:0009794, OMIM 258860.
Joubert syndrome 18 (JBTS18). Identifiers: Orphanet 2754, MedGen C3553758, MONDO:0013896, OMIM 614815.
Joubert syndrome and related disorders. Identifiers: Orphanet 140874, MedGen C5679612, MONDO:0015369.

Submissions (4):

Labcorp Genetics (formerly Invitae), Labcorp
Classification: Pathogenic for Joubert syndrome 18; Orofacial-digital syndrome IV. Last evaluated: 2026-01-14. Review status: criteria provided, single submitter. Criteria: Invitae Variant Classification Sherloc (09022015). Collection method: clinical testing. Allele origin: germline.
Comment: This sequence change creates a premature translational stop signal (p.His113Argfs*13) in the TCTN3 gene. It is expected to result in an absent or disrupted protein product. Loss-of-function variants in TCTN3 are known to be pathogenic (PMID: 2692869, 22883145, 25118024). This variant is present in population databases (rs761798713, gnomAD 0.02%). This variant has not been reported in the literature in individuals affected with TCTN3-related conditions. ClinVar contains an entry for this variant (Variation ID: 1393536). For these reasons, this variant has been classified as Pathogenic.

Women's Health and Genetics/Laboratory Corporation of America, LabCorp
Classification: Pathogenic for Joubert syndrome and related disorders. Last evaluated: 2024-09-19. Review status: criteria provided, single submitter. Criteria: LabCorp Variant Classification Summary - May 2015. Collection method: clinical testing. Allele origin: germline.
Comment: Variant summary: TCTN3 c.338_341delATCC (p.His113ArgfsX13) results in a premature termination codon, predicted to cause a truncation of the encoded protein or absence of the protein due to nonsense mediated decay, which are commonly known mechanisms for disease. The variant allele was found at a frequency of 6.4e-05 in 157142 control chromosomes. This frequency is not significantly higher than estimated for a pathogenic variant in TCTN3 causing Joubert Syndrome And Related Disorders (6.4e-05 vs 0.0004). To our knowledge, no occurrence of c.338_341delATCC in individuals affected with Joubert Syndrome And Related Disorders and no experimental evidence demonstrating its impact on protein function have been reported. ClinVar contains an entry for this variant (Variation ID: 1393536). Based on the evidence outlined above, the variant was classified as pathogenic.

Blueprint Genetics
Classification: Likely pathogenic for TCTN3-related disorders. Last evaluated: 2024-03-01. Review status: criteria provided, single submitter. Criteria: ACMG Guidelines, 2015. Collection method: clinical testing. Allele origin: germline. Affected: yes. Observed: 5 variant alleles.

Daryl Scott Lab, Baylor College of Medicine
Classification: Pathogenic for TCTN3-related disorder. Last evaluated: 2023-11-10. Review status: criteria provided, single submitter. Criteria: ACMG Guidelines, 2015. Collection method: clinical testing. Allele origin: maternal.

Literature cited by the submitters: PubMed 2692869 (cited by Labcorp Genetics (formerly Invitae), Labcorp); PubMed 22883145 (cited by Labcorp Genetics (formerly Invitae), Labcorp); PubMed 25118024 (cited by Labcorp Genetics (formerly Invitae), Labcorp).